The following is an entry in ClinVar:

NM_000548.5(TSC2):c.373A>C (p.Lys125Gln)

Gene: TSC2 (TSC complex subunit 2; plus strand). Cytogenetic location: 16p13.3.
Variant type: single nucleotide variant.
Coding change: c.373A>C on transcript NM_000548.5 (MANE Select); coding-DNA position 373, A replaced by C.
Protein change: p.Lys125Gln; replaces lysine 125 with glutamine.
Molecular consequence: missense variant. On other transcripts: intron variant (1).
Genome position (GRCh38, 1-based): chr16:2,054,332, A>C. VCF-style: chr16-2054332-A-C. GRCh37 (hg19) VCF-style: chr16-2104333-A-C.
Other names: c.373A>C, p.Lys125Gln (NM_001077183.3, NM_001114382.3, NM_001363528.2 and 8 more transcripts); c.262A>C, p.Lys88Gln (NM_001318827.2, NM_001406670.1, NM_001406678.1); c.226A>C, p.Lys76Gln (NM_001318829.2, NM_001406675.1, NM_001406676.1 and 1 more transcripts); c.406A>C, p.Lys136Gln (NM_001318832.2); c.463A>C, p.Lys155Gln (NM_001406667.1, NM_001406668.1); c.316A>C, p.Lys106Gln (NM_001406677.1); c.-1-1864A>C (NM_001318831.2); c.-444A>C (NM_001406680.1, NM_001406683.1, NM_001406687.1); and 6 more; short protein forms K88Q, K136Q, K155Q, K106Q, K125Q, K76Q.
Identifiers: ClinVar variation 1734451 (VCV001734451.2), dbSNP rs1397640702, ClinGen allele CA394306720.

ClinVar aggregate classification (germline): Uncertain significance (1 of 4 stars; one submission).

Conditions:
Hereditary cancer-predisposing syndrome. Also called: Neoplastic Syndromes, Hereditary; Tumor predisposition; Hereditary Cancer Syndrome; Hereditary neoplastic syndrome. Identifiers: Orphanet 140162, MedGen C0027672, MeSH D009386, MONDO:0015356.

Submission:

Ambry Genetics
Classification: Uncertain significance for Hereditary cancer-predisposing syndrome. Last evaluated: 2022-07-21. Review status: criteria provided, single submitter. Criteria: Ambry Variant Classification Scheme 2023. Collection method: clinical testing. Allele origin: germline.
Comment: The c.373A>C variant (also known as p.K125Q), located in coding exon 4 of the TSC2 gene, results from an A to C substitution at nucleotide position 373. The lysine at codon 125 is replaced by glutamine, an amino acid with similar properties. This nucleotide position is well conserved in available vertebrate species. In silico splice site analysis predicts that this alteration will result in the creation or strengthening of a novel splice acceptor site. RNA studies have demonstrated that this alteration results in a transcript predicted to lead to a protein with an in-frame deletion of 13 amino acids; however, the exact functional impact of the deleted amino acids is unknown at this time (Ambry internal data). This amino acid position is highly conserved in available vertebrate species. In addition, the in silico prediction for this alteration is inconclusive. Since supporting evidence is limited at this time, the clinical significance of this alteration remains unclear.